The following is an entry in ClinVar:

NM_007254.4(PNKP):c.26_27delinsTT (p.Arg9Leu)

Gene: PNKP (polynucleotide kinase 3'-phosphatase; minus strand). Cytogenetic location: 19q13.33.
Variant type: Indel.
Coding change: c.26_27delinsTT on transcript NM_007254.4 (MANE Select); coding-DNA positions 26 to 27, GC replaced by TT.
Protein change: p.Arg9Leu; replaces arginine 9 with leucine.
Molecular consequence: missense variant.
Genome position (GRCh38, 1-based): chr19:49,867,178-49,867,179, GC replaced by AA on the plus strand (GC replaced by TT on the coding strand, the reverse complement: PNKP is on the minus strand). VCF-style: chr19-49867178-GC-AA. GRCh37 (hg19) VCF-style: chr19-50370435-GC-AA.
Other names: short protein forms R9L.
Identifiers: ClinVar variation 969883 (VCV000969883.8), dbSNP rs2074827288, ClinGen allele CA1139666548.
Genomic context (GRCh38, chr19:49,867,178, plus strand): 5'-TTGCCCGTCCGAGGGCAGGAAGATGGGGGGCGCTCCCCCAGGGGGGCTCTCGAGCCACAA[GC>AA]GGCCCGGGGCCTCCACCTCGCCCATCCTGGGTGCCGGCCTGGGGAGCAGGTAAACGGGCT-3'
Protein context (NP_009185.2, residues 1-19): MGEVEAPG[Arg9Leu]LWLESPPGGA

ClinVar aggregate classification (germline): Uncertain significance (1 of 4 stars; one submission).

Conditions:
Developmental and epileptic encephalopathy, 12 (DEE12). Identifiers: MedGen C3150988, MONDO:0013389, OMIM 613722.

Submission:

Labcorp Genetics (formerly Invitae), Labcorp
Classification: Uncertain significance for Developmental and epileptic encephalopathy, 12. Last evaluated: 2019-10-09. Review status: criteria provided, single submitter. Criteria: Invitae Variant Classification Sherloc (09022015). Collection method: clinical testing. Allele origin: germline.
Comment: This sequence change replaces arginine with leucine at codon 9 of the PNKP protein (p.Arg9Leu). The arginine residue is moderately conserved and there is a moderate physicochemical difference between arginine and leucine. This variant is reported as two separate entries in the ExAC population database (c.26G>T, 0.001% and c.27C>T, 0.001%). In summary, the available evidence is currently insufficient to determine the role of this variant in disease. Therefore, it has been classified as a Variant of Uncertain Significance. Algorithms developed to predict the effect of missense changes on protein structure and function (SIFT, PolyPhen-2, Align-GVGD) all suggest that this variant is likely to be tolerated, but these predictions have not been confirmed by published functional studies and their clinical significance is uncertain. This variant has not been reported in the literature in individuals with PNKP-related conditions.